The following is an entry in ClinVar:

NM_000264.5(PTCH1):c.1119C>T (p.Tyr373=)

Gene: PTCH1 (patched 1; minus strand). Cytogenetic location: 9q22.32.
Variant type: single nucleotide variant.
Coding change: c.1119C>T on transcript NM_000264.5 (MANE Select); coding-DNA position 1119, C replaced by T.
Protein change: p.Tyr373=; no amino-acid change (tyrosine 373 retained).
Molecular consequence: synonymous variant. On other transcripts: non-coding transcript variant (1).
Genome position (GRCh38, 1-based): chr9:95,479,096, G>A on the plus strand (C>T on the coding strand, the complement: PTCH1 is on the minus strand). VCF-style: chr9-95479096-G-A. GRCh37 (hg19) VCF-style: chr9-98241378-G-A.
Other names: p.Tyr373=; c.921C>T, p.Tyr307= (NM_001083602.3); c.1116C>T, p.Tyr372= (NM_001083603.3); c.666C>T, p.Tyr222= (NM_001083604.3, NM_001083605.3, NM_001083606.3 and 1 more transcripts); c.1119C>T, p.Tyr373= (NM_001354918.2).
Identifiers: ClinVar variation 220376 (VCV000220376.33), dbSNP rs2066831, ClinGen allele CA349274.

ClinVar aggregate classification (germline): Benign/Likely benign. Review status: criteria provided, multiple submitters, no conflicts (2 of 4 stars). 15 submissions from 14 submitters: Benign (12); Likely benign (3). Last evaluated 2026-02-04.

Conditions:
Basal cell carcinoma, susceptibility to, 1. Also called: BCC1. Identifiers: MedGen C2751544, MONDO:0011556, OMIM 605462.
Basal cell nevus syndrome 1 (BCNS1). Also called: GORLIN-GOLTZ SYNDROME; MULTIPLE BASAL CELL NEVI, ODONTOGENIC KERATOCYSTS, AND SKELETAL ANOMALIES. Identifiers: MedGen CN376810, MONDO:0958174, OMIM 109400.
Holoprosencephaly 7 (HPE7). Identifiers: Orphanet 2162, MedGen C1835820, MONDO:0012562, OMIM 610828.
Hereditary cancer-predisposing syndrome. Also called: Tumor predisposition; Hereditary neoplastic syndrome; Neoplastic Syndromes, Hereditary; Hereditary Cancer Syndrome. Identifiers: Orphanet 140162, MedGen C0027672, MeSH D009386, MONDO:0015356.
Gorlin syndrome. Also called: Nevoid Basal Cell Carcinoma Syndrome; Basal cell nevus syndrome. Identifiers: Orphanet 377, MedGen C0004779, MONDO:0007187.

Allele frequency attached by ClinVar (database versions not stated): gnomAD exomes 0.00056 and 0.00157; ExAC 0.00204; 1000 Genomes Project 0.00539; gnomAD 0.00623 and 0.00677; 1000 Genomes Project 30x 0.00625; TOPMed 0.00688; ESP Exome Variant Server 0.00738.
gnomAD v4.1: 1,803 of 1,614,086 alleles (0.11%); highest among the groups gnomAD compares: African/African-American, 2.2%; 19 homozygotes.

Submissions (15):

Labcorp Genetics (formerly Invitae), Labcorp
Classification: Benign for Gorlin syndrome. Last evaluated: 2026-02-04. Review status: criteria provided, single submitter. Criteria: Invitae Variant Classification Sherloc (09022015). Collection method: clinical testing. Allele origin: germline.

Mayo Clinic Laboratories, Mayo Clinic
Classification: Benign. Last evaluated: 2025-07-23. Review status: criteria provided, single submitter. Criteria: ACMG Guidelines, 2015. Collection method: clinical testing. Allele origin: germline. Observed: 1 variant allele.
Comment: BA1, BP4, BP7

Quest Diagnostics Nichols Institute San Juan Capistrano
Classification: Benign. Last evaluated: 2025-04-30. Review status: criteria provided, single submitter. Criteria: Quest Diagnostics criteria. Collection method: clinical testing. Allele origin: unknown.

Department of Pathology and Laboratory Medicine, Sinai Health System
Classification: Benign for Basal cell nevus syndrome 1; Basal cell carcinoma, susceptibility to, 1; Holoprosencephaly 7. Last evaluated: 2023-11-10. Review status: criteria provided, single submitter. Criteria: ACMG Guidelines, 2015. Collection method: clinical testing. Allele origin: germline. Affected: yes.

KCCC/NGS Laboratory, Kuwait Cancer Control Center
Classification: Benign for Basal cell nevus syndrome 1. Last evaluated: 2023-07-07. Review status: criteria provided, single submitter. Criteria: ACMG Guidelines, 2015. Collection method: clinical testing. Allele origin: germline. Affected: yes.

Women's Health and Genetics/Laboratory Corporation of America, LabCorp
Classification: Benign. Last evaluated: 2023-04-22. Review status: criteria provided, single submitter. Criteria: LabCorp Variant Classification Summary - May 2015. Collection method: clinical testing. Allele origin: germline.

Fulgent Genetics
Classification: Likely benign for Basal cell nevus syndrome 1; Basal cell carcinoma, susceptibility to, 1; Holoprosencephaly 7. Last evaluated: 2021-12-01. Review status: criteria provided, single submitter. Criteria: ACMG Guidelines, 2015. Collection method: clinical testing. Allele origin: unknown.

Genetic Services Laboratory, University of Chicago
Classification: Benign. Last evaluated: 2021-04-02. Review status: criteria provided, single submitter. Criteria: ACMG Guidelines, 2015. Collection method: clinical testing. Allele origin: germline. Affected: no.

Sema4
Classification: Benign for Hereditary cancer-predisposing syndrome. Last evaluated: 2020-07-07. Review status: criteria provided, single submitter. Criteria: Sema4 Curation Guidelines. Collection method: curation. Allele origin: germline.

Illumina Laboratory Services, Illumina
Classification: Benign for Basal cell nevus syndrome 1. Last evaluated: 2018-01-12. Review status: criteria provided, single submitter. Criteria: ICSL Variant Classification Criteria 13 December 2019. Collection method: clinical testing. Allele origin: germline.
Comment: This variant was observed in the ICSL laboratory as part of a predisposition screen in an ostensibly healthy population. It had not been previously curated by ICSL or reported in the Human Gene Mutation Database (HGMD: prior to June 1st, 2018), and was therefore a candidate for classification through an automated scoring system. Utilizing variant allele frequency, disease prevalence and penetrance estimates, and inheritance mode, an automated score was calculated to assess if this variant is too frequent to cause the disease. Based on the score and internal cut-off values, a variant classified as benign is not then subjected to further curation. The score for this variant resulted in a classification of benign for this disease.

Illumina Laboratory Services, Illumina
Classification: Benign for Holoprosencephaly 7. Last evaluated: 2018-01-12. Review status: criteria provided, single submitter. Criteria: ICSL Variant Classification Criteria 13 December 2019. Collection method: clinical testing. Allele origin: germline.
Comment: the same text as in the submission from Illumina Laboratory Services, Illumina above.

Ambry Genetics
Classification: Likely benign for Hereditary cancer-predisposing syndrome. Last evaluated: 2016-11-25. Review status: criteria provided, single submitter. Criteria: Ambry Variant Classification Scheme 2023. Collection method: clinical testing. Allele origin: germline.

GeneDx
Classification: Benign. Last evaluated: 2015-03-03. Review status: criteria provided, single submitter. Criteria: GeneDx Variant Classification Process June 2021. Collection method: clinical testing. Allele origin: germline. Affected: yes.

Breakthrough Genomics
Classification: Likely benign. Review status: criteria provided, single submitter. Criteria: ACMG Guidelines, 2015. Collection method: not provided. Allele origin: germline. Inheritance: Autosomal dominant inheritance. Affected: yes.

PreventionGenetics, part of Exact Sciences
Classification: Benign. Review status: criteria provided, single submitter. Criteria: ACMG Guidelines, 2015. Collection method: clinical testing. Allele origin: germline.

Literature cited by the submitters: PubMed 32409749 (cited by Quest Diagnostics Nichols Institute San Juan Capistrano).